The following is an entry in ClinVar:

NM_001205293.3(CACNA1E):c.638C>G (p.Ser213Cys)

Gene: CACNA1E (calcium voltage-gated channel subunit alpha1 E; plus strand). Cytogenetic location: 1q25.3.
Variant type: single nucleotide variant.
Coding change: c.638C>G on transcript NM_001205293.3 (MANE Select); coding-DNA position 638, C replaced by G.
Protein change: p.Ser213Cys; replaces serine 213 with cysteine.
Molecular consequence: missense variant.
Genome position (GRCh38, 1-based): chr1:181,579,093, C>G. VCF-style: chr1-181579093-C-G. GRCh37 (hg19) VCF-style: chr1-181548229-C-G.
Other names: c.638C>G, p.Ser213Cys (NM_000721.4, NM_001205294.2); short protein forms S213C.
Identifiers: ClinVar variation 2704715 (VCV002704715.3), dbSNP rs2527316352, ClinGen allele CA343846957.

ClinVar aggregate classification (germline): Likely pathogenic (1 of 4 stars; one submission).

Submission:

Labcorp Genetics (formerly Invitae), Labcorp
Classification: Likely pathogenic. Last evaluated: 2024-01-25. Review status: criteria provided, single submitter. Criteria: Invitae Variant Classification Sherloc (09022015). Collection method: clinical testing. Allele origin: germline.
Comment: This sequence change replaces serine, which is neutral and polar, with cysteine, which is neutral and slightly polar, at codon 213 of the CACNA1E protein (p.Ser213Cys). This variant is not present in population databases (gnomAD no frequency). This missense change has been observed in individual(s) with clinical features of early infantile epileptic encephalopathy (Invitae). In at least one individual the variant was observed to be de novo. Advanced modeling of protein sequence and biophysical properties (such as structural, functional, and spatial information, amino acid conservation, physicochemical variation, residue mobility, and thermodynamic stability) has been performed at Invitae for this missense variant, however the output from this modeling did not meet the statistical confidence thresholds required to predict the impact of this variant on CACNA1E protein function. In summary, the currently available evidence indicates that the variant is pathogenic, but additional data are needed to prove that conclusively. Therefore, this variant has been classified as Likely Pathogenic.